The following is an entry in ClinVar:

ClinVar aggregate classification (germline): Uncertain significance. Review status: criteria provided, multiple submitters, no conflicts (2 of 4 stars). 3 submissions from 3 submitters: Uncertain significance (3). Last evaluated 2022-06-03.

Conditions:
Charcot-Marie-Tooth disease. Also called: Charcot-Marie-Tooth Hereditary Neuropathy; Charcot-Marie-Tooth Neuropathy. Identifiers: Orphanet 166, MedGen C0007959, MONDO:0015626.
Inborn genetic diseases. Identifiers: MedGen C0950123, MeSH D030342.

Allele frequency attached by ClinVar (database versions not stated): TOPMed below 0.00001; gnomAD exomes 0.00001; ExAC 0.00002.
gnomAD v4.1: 8 of 1,614,204 alleles (0.0005%); highest among the groups gnomAD compares: South Asian, 0.0033%; no homozygotes.

Submissions (3):

GeneDx
Classification: Uncertain significance. Last evaluated: 2022-06-03. Review status: criteria provided, single submitter. Criteria: GeneDx Variant Classification Process June 2021. Collection method: clinical testing. Allele origin: germline. Affected: yes.
Comment: In silico analysis supports that this missense variant does not alter protein structure/function; Has not been previously published as pathogenic or benign to our knowledge; This variant is associated with the following publications: (PMID: 26100331, 25609763, 25512093)

Ambry Genetics
Classification: Uncertain significance for Inborn genetic diseases. Last evaluated: 2021-07-08. Review status: criteria provided, single submitter. Criteria: Ambry Variant Classification Scheme 2023. Collection method: clinical testing. Allele origin: germline.

Molecular Genetics Laboratory, London Health Sciences Centre
Classification: Uncertain significance for Charcot-Marie-Tooth disease. Review status: criteria provided, single submitter. Criteria: ACMG Guidelines, 2015. Collection method: clinical testing. Allele origin: germline. Affected: yes.

NM_001376.5(DYNC1H1):c.4264G>A (p.Val1422Ile)

Gene: DYNC1H1 (dynein cytoplasmic 1 heavy chain 1; plus strand). Cytogenetic location: 14q32.31.
Variant type: single nucleotide variant.
Coding change: c.4264G>A on transcript NM_001376.5 (MANE Select); coding-DNA position 4264, G replaced by A.
Protein change: p.Val1422Ile; replaces valine 1422 with isoleucine.
Molecular consequence: missense variant.
Genome position (GRCh38, 1-based): chr14:102,001,223, G>A. VCF-style: chr14-102001223-G-A. GRCh37 (hg19) VCF-style: chr14-102467560-G-A.
Other names: short protein forms V1422I.
Identifiers: ClinVar variation 917207 (VCV000917207.4), dbSNP rs760230019, ClinGen allele CA7352203.
Genomic context (GRCh38, chr14:102,001,223, plus strand): 5'-GAACTGAAATCCGAAGCACTTAAAGACCGCCATTGGAAACAGCTCATGAAAAGGCTTCAC[G>A]TTAATTGGGTTGTTTCTGAGCTAACCCTTGGCCAAATCTGGGATGTTGACTTGCAGAAAA-3'
Protein context (NP_001367.2, residues 1412-1432): HWKQLMKRLH[Val1422Ile]NWVVSELTLG